The following is an entry in ClinVar:

NM_006517.5(SLC16A2):c.1108G>C (p.Gly370Arg)

Gene: SLC16A2 (solute carrier family 16 member 2; plus strand). Cytogenetic location: Xq13.2.
Variant type: single nucleotide variant.
Coding change: c.1108G>C on transcript NM_006517.5 (MANE Select); coding-DNA position 1108, G replaced by C.
Protein change: p.Gly370Arg; replaces glycine 370 with arginine.
Molecular consequence: missense variant.
Genome position (GRCh38, 1-based): chrX:74,525,831, G>C. VCF-style: chrX-74525831-G-C. GRCh37 (hg19) VCF-style: chrX-73745666-G-C.
Other names: c.1108G>C (NM_006517.4); short protein forms G370R.
Identifiers: ClinVar variation 2833651 (VCV002833651.4), dbSNP rs2519807417, ClinGen allele CA413658009.

ClinVar aggregate classification (germline): Uncertain significance. Review status: criteria provided, multiple submitters, no conflicts (2 of 4 stars). 2 submissions from 2 submitters: Uncertain significance (2). Last evaluated 2023-06-27.

Conditions:
Spastic paraplegia. Identifiers: MedGen C0037772, HP:0001258.

Submissions (2):

GeneDx
Classification: Uncertain significance. Last evaluated: 2023-06-27. Review status: criteria provided, single submitter. Criteria: GeneDx Variant Classification Process June 2021. Collection method: clinical testing. Allele origin: germline. Affected: yes.
Comment: Not observed at significant frequency in large population cohorts (gnomAD); Has not been previously published as pathogenic or benign to our knowledge

Labcorp Genetics (formerly Invitae), Labcorp
Classification: Uncertain significance for Spastic paraplegia. Last evaluated: 2023-02-01. Review status: criteria provided, single submitter. Criteria: Invitae Variant Classification Sherloc (09022015). Collection method: clinical testing. Allele origin: germline.
Comment: This sequence change replaces glycine, which is neutral and non-polar, with arginine, which is basic and polar, at codon 370 of the SLC16A2 protein (p.Gly370Arg). This variant is not present in population databases (gnomAD no frequency). This variant has not been reported in the literature in individuals affected with SLC16A2-related conditions. Advanced modeling of protein sequence and biophysical properties (such as structural, functional, and spatial information, amino acid conservation, physicochemical variation, residue mobility, and thermodynamic stability) performed at Invitae indicates that this missense variant is expected to disrupt SLC16A2 protein function. In summary, the available evidence is currently insufficient to determine the role of this variant in disease. Therefore, it has been classified as a Variant of Uncertain Significance.